The following is an entry in ClinVar:

NM_000454.5(SOD1):c.143T>C (p.Val48Ala)

Gene: SOD1 (superoxide dismutase 1; plus strand). Cytogenetic location: 21q22.11.
Variant type: single nucleotide variant.
Coding change: c.143T>C on transcript NM_000454.5 (MANE Select); coding-DNA position 143, T replaced by C.
Protein change: p.Val48Ala; replaces valine 48 with alanine.
Molecular consequence: missense variant.
Genome position (GRCh38, 1-based): chr21:31,663,860, T>C. VCF-style: chr21-31663860-T-C. GRCh37 (hg19) VCF-style: chr21-33036173-T-C.
Other names: short protein forms V48A.
Identifiers: ClinVar variation 1018905 (VCV001018905.9), dbSNP rs1568809169, ClinGen allele CA410036743.
Genomic context (GRCh38, chr21:31,663,860, plus strand): 5'-GACCAGTGAAGGTGTGGGGAAGCATTAAAGGACTGACTGAAGGCCTGCATGGATTCCATG[T>C]TCATGAGTTTGGAGATAATACAGCAGGTGGGTGTTGTGCTGTGCTGGTGACCCATACTTG-3'
Protein context (NP_000445.1, residues 38-58): GLTEGLHGFH[Val48Ala]HEFGDNTAGC

ClinVar aggregate classification (germline): Pathogenic/Likely pathogenic. Review status: criteria provided, multiple submitters, no conflicts (2 of 4 stars). 2 submissions from 2 submitters: Pathogenic (1); Likely pathogenic (1). Last evaluated 2025-06-16.

Conditions:
Amyotrophic lateral sclerosis type 1 (ALS1). Also called: AMYOTROPHIC LATERAL SCLEROSIS 1, FAMILIAL. Identifiers: Orphanet 803, MedGen C1862939, MONDO:0007103, OMIM 105400.

Submissions (2):

Labcorp Genetics (formerly Invitae), Labcorp
Classification: Pathogenic for Amyotrophic lateral sclerosis type 1. Last evaluated: 2025-06-16. Review status: criteria provided, single submitter. Criteria: Invitae Variant Classification Sherloc (09022015). Collection method: clinical testing. Allele origin: germline.
Comment: This sequence change replaces valine, which is neutral and non-polar, with alanine, which is neutral and non-polar, at codon 48 of the SOD1 protein (p.Val48Ala). This variant is not present in population databases (gnomAD no frequency). This missense change has been observed in individuals with autosomal dominant amyotrophic lateral sclerosis (PMID: 30637102, 32166880, 34275688, 34404558, 34544842, 39351695). ClinVar contains an entry for this variant (Variation ID: 1018905). Invitae Evidence Modeling of protein sequence and biophysical properties (such as structural, functional, and spatial information, amino acid conservation, physicochemical variation, residue mobility, and thermodynamic stability) indicates that this missense variant is expected to disrupt SOD1 protein function with a positive predictive value of 95%. This variant disrupts the p.Val48 amino acid residue in SOD1. Other variant(s) that disrupt this residue have been observed in individuals with SOD1-related conditions (PMID: 25729540), which suggests that this may be a clinically significant amino acid residue. For these reasons, this variant has been classified as Pathogenic.

3billion
Classification: Likely pathogenic for Amyotrophic lateral sclerosis type 1. Last evaluated: 2024-11-25. Review status: criteria provided, single submitter. Criteria: ACMG Guidelines, 2015. Collection method: clinical testing. Allele origin: germline. Affected: yes.
Comment: The variant is not observed in the gnomAD v4.1.0 dataset. Predicted Consequence/Location: The variant is located in a mutational hot spot and/or well-established functional domain in which established pathogenic variants have been reported. In silico tool predictions suggest damaging effect of the variant on gene or gene product [REVEL: 0.93 (>=0.6, sensitivity 0.68 and specificity 0.92); 3Cnet: 0.98 (>=0.6, sensitivity 0.72 and precision 0.9)]. The same nucleotide change resulting in the same amino acid change has been previously reported to be associated with SOD1 related disorder (ClinVar ID: VCV001018905). A different missense change at the same codon (p.Val48Phe) has been reported to be associated with SOD1 related disorder (ClinVar ID: VCV003349795 /PMID: 14506936). Therefore, this variant is classified as Likely pathogenic according to the recommendation of ACMG/AMP guideline.

Literature cited by the submitters: PubMed 30637102 (cited by Labcorp Genetics (formerly Invitae), Labcorp); PubMed 32166880 (cited by Labcorp Genetics (formerly Invitae), Labcorp); PubMed 34275688 (cited by Labcorp Genetics (formerly Invitae), Labcorp); PubMed 34404558 (cited by Labcorp Genetics (formerly Invitae), Labcorp); PubMed 34544842 (cited by Labcorp Genetics (formerly Invitae), Labcorp); PubMed 39351695 (cited by Labcorp Genetics (formerly Invitae), Labcorp); PubMed 25729540 (cited by Labcorp Genetics (formerly Invitae), Labcorp); PubMed 14506936 (cited by 3billion).